The following is an entry in ClinVar:

ClinVar aggregate classification (germline): Uncertain significance. Review status: criteria provided, multiple submitters, no conflicts (2 of 4 stars). 2 submissions from 2 submitters: Uncertain significance (2). Last evaluated 2023-07-17.

Conditions:
Cardiovascular phenotype. Identifiers: MedGen CN230736.
Alagille syndrome due to a JAG1 point mutation. Also called: HEPATIC DUCTULAR HYPOPLASIA, SYNDROMATIC; Alagille Syndrome 1; JAG1-Related Alagille Syndrome. Identifiers: Orphanet 261619, Orphanet 52, MedGen C1956125, MONDO:0016862, OMIM 118450.

Allele frequency attached by ClinVar (database versions not stated): gnomAD 0.00001; TOPMed 0.00001.
gnomAD v4.1: 2 of 1,609,858 alleles (0.00012%); highest among the groups gnomAD compares: African/African-American, 0.0027%; no homozygotes.

Submissions (2):

Labcorp Genetics (formerly Invitae), Labcorp
Classification: Uncertain significance for Alagille syndrome due to a JAG1 point mutation. Last evaluated: 2023-07-17. Review status: criteria provided, single submitter. Criteria: Invitae Variant Classification Sherloc (09022015). Collection method: clinical testing. Allele origin: germline.
Comment: This sequence change replaces alanine, which is neutral and non-polar, with threonine, which is neutral and polar, at codon 853 of the JAG1 protein (p.Ala853Thr). This variant is not present in population databases (gnomAD no frequency). This variant has not been reported in the literature in individuals affected with JAG1-related conditions. ClinVar contains an entry for this variant (Variation ID: 1793027). Advanced modeling of protein sequence and biophysical properties (such as structural, functional, and spatial information, amino acid conservation, physicochemical variation, residue mobility, and thermodynamic stability) performed at Invitae indicates that this missense variant is not expected to disrupt JAG1 protein function. In summary, the available evidence is currently insufficient to determine the role of this variant in disease. Therefore, it has been classified as a Variant of Uncertain Significance.

Ambry Genetics
Classification: Uncertain significance for Cardiovascular phenotype. Last evaluated: 2021-11-05. Review status: criteria provided, single submitter. Criteria: Ambry Variant Classification Scheme 2023. Collection method: clinical testing. Allele origin: germline.
Comment: The p.A853T variant (also known as c.2557G>A), located in coding exon 21 of the JAG1 gene, results from a G to A substitution at nucleotide position 2557. The alanine at codon 853 is replaced by threonine, an amino acid with similar properties. This amino acid position is conserved. In addition, this alteration is predicted to be tolerated by in silico analysis. Since supporting evidence is limited at this time, the clinical significance of this alteration remains unclear.

NM_000214.3(JAG1):c.2557G>A (p.Ala853Thr)

Gene: JAG1 (jagged canonical Notch ligand 1; minus strand). Cytogenetic location: 20p12.2.
Variant type: single nucleotide variant.
Coding change: c.2557G>A on transcript NM_000214.3 (MANE Select); coding-DNA position 2557, G replaced by A.
Protein change: p.Ala853Thr; replaces alanine 853 with threonine.
Molecular consequence: missense variant.
Genome position (GRCh38, 1-based): chr20:10,642,503, C>T on the plus strand (G>A on the coding strand, the complement: JAG1 is on the minus strand). VCF-style: chr20-10642503-C-T. GRCh37 (hg19) VCF-style: chr20-10623151-C-T.
Other names: short protein forms A853T.
Identifiers: ClinVar variation 1793027 (VCV001793027.7), dbSNP rs967515336, ClinGen allele CA311369087.